The following is an entry in ClinVar:

ClinVar aggregate classification (germline): Conflicting classifications of pathogenicity. Review status: criteria provided, conflicting classifications (1 of 4 stars). 2 submissions from 2 submitters: Uncertain significance (1); Likely benign (1). Last evaluated 2023-03-21.

Allele frequency attached by ClinVar (database versions not stated): gnomAD 0.00001; TOPMed 0.00002; ExAC 0.00004.
gnomAD v4.1: 25 of 1,605,308 alleles (0.0016%); highest among the groups gnomAD compares: Admixed American, 0.019%; no homozygotes.

Submissions (2):

Labcorp Genetics (formerly Invitae), Labcorp
Classification: Uncertain significance. Last evaluated: 2023-03-21. Review status: criteria provided, single submitter. Criteria: Invitae Variant Classification Sherloc (09022015). Collection method: clinical testing. Allele origin: germline.
Comment: An algorithm developed to predict the effect of missense changes on protein structure and function (PolyPhen-2) suggests that this variant is likely to be tolerated. ClinVar contains an entry for this variant (Variation ID: 1923794). This variant has not been reported in the literature in individuals affected with MRPL12-related conditions. This variant is present in population databases (rs767180827, gnomAD 0.03%). This sequence change replaces arginine, which is basic and polar, with glutamine, which is neutral and polar, at codon 26 of the MRPL12 protein (p.Arg26Gln). In summary, the available evidence is currently insufficient to determine the role of this variant in disease. Therefore, it has been classified as a Variant of Uncertain Significance.

Ambry Genetics
Classification: Likely benign. Last evaluated: 2022-04-25. Review status: criteria provided, single submitter. Criteria: Ambry Variant Classification Scheme 2023. Collection method: clinical testing. Allele origin: germline.

NM_002949.4(MRPL12):c.77G>A (p.Arg26Gln)

Gene: MRPL12 (mitochondrial ribosomal protein L12; plus strand). Cytogenetic location: 17q25.3.
Variant type: single nucleotide variant.
Coding change: c.77G>A on transcript NM_002949.4 (MANE Select); coding-DNA position 77, G replaced by A.
Protein change: p.Arg26Gln; replaces arginine 26 with glutamine.
Molecular consequence: missense variant.
Genome position (GRCh38, 1-based): chr17:81,704,246, G>A. VCF-style: chr17-81704246-G-A. GRCh37 (hg19) VCF-style: chr17-79671276-G-A.
Other names: short protein forms R26Q.
Identifiers: ClinVar variation 1923794 (VCV001923794.6), dbSNP rs767180827, ClinGen allele CA8841246.
Genomic context (GRCh38, chr17:81,704,246, plus strand): 5'-CTGCAGCCCCTTCCATTCCAGGACTGACAAGTCTGTTTTAATTGGGGGTGGGGGCTAGGC[G>A]ACAGGTGCCATGTGTCTGTGCCGTGCGACATATGAGGAGCAGCGGCCATCAGAGGTGTGA-3'
Protein context (NP_002940.2, residues 16-36): LRAAAFRLAR[Arg26Gln]QVPCVCAVRH